The following is an entry in ClinVar:

ClinVar aggregate classification (germline): Uncertain significance (1 of 4 stars; one submission).

Conditions:
Alstrom syndrome (ALMS). Identifiers: Orphanet 64, MedGen C0268425, MONDO:0008763, OMIM 203800.

Submission:

Labcorp Genetics (formerly Invitae), Labcorp
Classification: Uncertain significance for Alstrom syndrome. Last evaluated: 2023-02-24. Review status: criteria provided, single submitter. Criteria: Invitae Variant Classification Sherloc (09022015). Collection method: clinical testing. Allele origin: germline.
Comment: This variant has not been reported in the literature in individuals affected with ALMS1-related conditions. In summary, the available evidence is currently insufficient to determine the role of this variant in disease. Therefore, it has been classified as a Variant of Uncertain Significance. This variant is not present in population databases (gnomAD no frequency). This variant, c.138_146del, results in the deletion of 3 amino acid(s) of the ALMS1 protein (p.Val47_Glu49del), but otherwise preserves the integrity of the reading frame.

NM_001378454.1(ALMS1):c.135_143del (p.43VEE[1])

Gene: ALMS1 (ALMS1 centrosome and basal body associated protein; plus strand). Cytogenetic location: 2p13.1.
Variant type: Deletion.
Coding change: c.135_143del on transcript NM_001378454.1 (MANE Select); coding-DNA positions 135 to 143, 9 bases deleted (GGTGGAGGA; older notation c.135_143delGGTGGAGGA).
Protein change: p.43VEE[1].
Molecular consequence: inframe deletion.
Genome position (GRCh38, 1-based): chr2:73,386,003-73,386,011, GGTGGAGGA deleted; deleting any 9 consecutive bases within chr2:73,385,995-73,386,011 gives the same sequence; the c. name uses the placement nearest the transcript's 3' end. VCF-style (leftmost placement, unchanged base first): chr2-73385994-CGTGGAGGAG-C. GRCh37 (hg19) VCF-style: chr2-73613122-CGTGGAGGAG-C.
Other names: c.138_146del, p.44VEE[1] (NM_015120.4).
Identifiers: ClinVar variation 2821735 (VCV002821735.3), dbSNP rs747912991, ClinGen allele CA2577004735.
Genomic context (GRCh38, chr2:73,385,994, plus strand): 5'-GGAGGAGGAAGAGGAGGAGGCTGCAGCGGCGGCGGCGGCGAACGTGGACGACGTAGTGGT[CGTGGAGGAG>C]GTGGAGGAAGAGGCGGGGCGGGAGTTGGACTCCGACTCTCACTACGGGCCCCAGCATCTG-3'